The following is an entry in ClinVar:

NM_004260.4(RECQL4):c.3557A>G (p.Lys1186Arg)

Gene: RECQL4 (RecQ like helicase 4; minus strand). Cytogenetic location: 8q24.3.
Variant type: single nucleotide variant.
Coding change: c.3557A>G on transcript NM_004260.4 (MANE Select); coding-DNA position 3557, A replaced by G.
Protein change: p.Lys1186Arg; replaces lysine 1186 with arginine.
Molecular consequence: missense variant.
Genome position (GRCh38, 1-based): chr8:144,511,501, T>C on the plus strand (A>G on the coding strand, the complement: RECQL4 is on the minus strand). VCF-style: chr8-144511501-T-C. GRCh37 (hg19) VCF-style: chr8-145736884-T-C.
Other names: short protein forms K1186R.
Identifiers: ClinVar variation 641073 (VCV000641073.4), dbSNP rs745722387, ClinGen allele CA187678101.

ClinVar aggregate classification (germline): Uncertain significance (1 of 4 stars; one submission).

Conditions:
Baller-Gerold syndrome (BGS). Also called: CRANIOSYNOSTOSIS WITH RADIAL DEFECTS. Identifiers: Orphanet 1225, MedGen C0265308, MONDO:0009039, OMIM 218600.

Allele frequency attached by ClinVar (database versions not stated): gnomAD exomes below 0.00001 and 0.00001; gnomAD 0.00001; TOPMed 0.00001.
gnomAD v4.1: 14 of 1,612,476 alleles (0.00087%); highest among the groups gnomAD compares: Non-Finnish European, 0.0012%; no homozygotes.

Submission:

Labcorp Genetics (formerly Invitae), Labcorp
Classification: Uncertain significance for Baller-Gerold syndrome. Last evaluated: 2023-03-07. Review status: criteria provided, single submitter. Criteria: Invitae Variant Classification Sherloc (09022015). Collection method: clinical testing. Allele origin: germline.
Comment: This variant is present in population databases (rs745722387, gnomAD 0.0009%). This sequence change replaces lysine, which is basic and polar, with arginine, which is basic and polar, at codon 1186 of the RECQL4 protein (p.Lys1186Arg). This variant has not been reported in the literature in individuals affected with RECQL4-related conditions. ClinVar contains an entry for this variant (Variation ID: 641073). Advanced modeling of protein sequence and biophysical properties (such as structural, functional, and spatial information, amino acid conservation, physicochemical variation, residue mobility, and thermodynamic stability) performed at Invitae indicates that this missense variant is not expected to disrupt RECQL4 protein function. In summary, the available evidence is currently insufficient to determine the role of this variant in disease. Therefore, it has been classified as a Variant of Uncertain Significance.